The following is an entry in ClinVar:

ClinVar aggregate classification (germline): Benign/Likely benign. Review status: criteria provided, multiple submitters, no conflicts (2 of 4 stars). 9 submissions from 8 submitters: Benign (6); Likely benign (3). Last evaluated 2026-01-28.

Conditions:
Schwartz-Jampel syndrome. Also called: Myotonic myopathy dwarfism chondrodystrophy and ocular and facial abnormalities. Identifiers: Orphanet 800, MedGen C0036391, MONDO:0009717.
Lethal Kniest-like syndrome (DDSH). Also called: Dyssegmental Dysplasia. Identifiers: Orphanet 1865, MedGen C1857100, MONDO:0009140, OMIM 224410.

Allele frequency attached by ClinVar (database versions not stated): gnomAD 0.00677; 1000 Genomes Project 0.00739; 1000 Genomes Project 30x 0.00765; TOPMed 0.00843; ESP Exome Variant Server 0.00938.
gnomAD v4.1: 2,616 of 1,613,826 alleles (0.16%); highest among the groups gnomAD compares: African/African-American, 2.6%; 34 homozygotes.

Submissions (9):

Labcorp Genetics (formerly Invitae), Labcorp
Classification: Benign. Last evaluated: 2026-01-28. Review status: criteria provided, single submitter. Criteria: Invitae Variant Classification Sherloc (09022015). Collection method: clinical testing. Allele origin: germline.

Athena Diagnostics
Classification: Benign. Last evaluated: 2024-10-08. Review status: criteria provided, single submitter. Criteria: Athena Diagnostics Criteria. Collection method: clinical testing. Allele origin: unknown.

ARUP Laboratories, Molecular Genetics and Genomics, ARUP Laboratories
Classification: Benign. Last evaluated: 2024-01-26. Review status: criteria provided, single submitter. Criteria: ARUP Molecular Germline Variant Investigation Process 2024. Collection method: clinical testing. Allele origin: germline.

GeneDx
Classification: Likely benign. Last evaluated: 2021-02-03. Review status: criteria provided, single submitter. Criteria: GeneDx Variant Classification Process June 2021. Collection method: clinical testing. Allele origin: germline. Affected: yes.

Dubai Health Genomic Medicine Center, Dubai Health
Classification: Benign. Last evaluated: 2019-12-30. Review status: criteria provided, single submitter. Criteria: ACMG Guidelines, 2015. Collection method: clinical testing. Allele origin: germline. Affected: yes.

Illumina Laboratory Services, Illumina
Classification: Benign for Schwartz-Jampel syndrome type 1. Last evaluated: 2017-04-27. Review status: criteria provided, single submitter. Criteria: ICSL Variant Classification Criteria 13 December 2019. Collection method: clinical testing. Allele origin: germline.
Comment: This variant was observed as part of a predisposition screen in an ostensibly healthy population. A literature search was performed for the gene, cDNA change, and amino acid change (where applicable). No publications were found based on this search. Allele frequency data from public databases was too high to be consistent with this variant causing disease. Therefore, this variant is classified as benign.

Illumina Laboratory Services, Illumina
Classification: Benign for Lethal Kniest-like syndrome. Last evaluated: 2017-04-27. Review status: criteria provided, single submitter. Criteria: ICSL Variant Classification Criteria 13 December 2019. Collection method: clinical testing. Allele origin: germline.
Comment: the same text as in the submission from Illumina Laboratory Services, Illumina above.

Center for Pediatric Genomic Medicine, Children's Mercy Hospital and Clinics
Classification: Likely benign. Last evaluated: 2017-01-02. Review status: criteria provided, single submitter. Criteria: ACMG Guidelines, 2015. Collection method: clinical testing. Allele origin: germline.
ClinVar note: Converted during submission from Likely Benign to Likely benign.

Breakthrough Genomics
Classification: Likely benign. Review status: criteria provided, single submitter. Criteria: ACMG Guidelines, 2015. Collection method: not provided. Allele origin: germline. Inheritance: Autosomal recessive inheritance. Affected: yes.

NM_005529.7(HSPG2):c.9719C>T (p.Ala3240Val)

Gene: HSPG2 (heparan sulfate proteoglycan 2; minus strand). Cytogenetic location: 1p36.12.
Variant type: single nucleotide variant.
Coding change: c.9719C>T on transcript NM_005529.7 (MANE Select); coding-DNA position 9719, C replaced by T.
Protein change: p.Ala3240Val; replaces alanine 3240 with valine.
Molecular consequence: missense variant.
Genome position (GRCh38, 1-based): chr1:21,839,541, G>A on the plus strand (C>T on the coding strand, the complement: HSPG2 is on the minus strand). VCF-style: chr1-21839541-G-A. GRCh37 (hg19) VCF-style: chr1-22166034-G-A.
Other names: c.9722C>T, p.Ala3241Val (NM_001291860.2); short protein forms A3240V, A3241V.
Identifiers: ClinVar variation 376803 (VCV000376803.34), dbSNP rs62642505, ClinGen allele CA670346.
Genomic context (GRCh38, chr1:21,839,541, plus strand): 5'-CCTTCCAGCCGGTGCTGCCAGGGCAGTGGGGAACGCAGCTTGGACCAGTGGATGGTGGGC[G>A]CGGGGCTGCCTGTGGAGTCGAGTGGAAGATGACAGAAGTCACTGGGCTACCTCAGGGACC-3'
Protein context (NP_005520.4, residues 3230-3250): TLRCSATGSP[Ala3240Val]PTIHWSKLRS